The following is an entry in ClinVar:

NM_000824.5(GLRB):c.323G>C (p.Arg108Thr)

Gene: GLRB (glycine receptor beta; plus strand). Cytogenetic location: 4q32.1.
Variant type: single nucleotide variant.
Coding change: c.323G>C on transcript NM_000824.5 (MANE Select); coding-DNA position 323, G replaced by C.
Protein change: p.Arg108Thr; replaces arginine 108 with threonine.
Molecular consequence: missense variant.
Genome position (GRCh38, 1-based): chr4:157,136,494, G>C. VCF-style: chr4-157136494-G-C. GRCh37 (hg19) VCF-style: chr4-158057646-G-C.
Other names: c.323G>C, p.Arg108Thr (NM_001166060.2, NM_001166061.2); short protein forms R108T.
Identifiers: ClinVar variation 1413021 (VCV001413021.8), dbSNP rs2126565958, ClinGen allele CA358642326.
Genomic context (GRCh38, chr4:157,136,494, plus strand): 5'-ACATACACATGTGCACGCATGTACTTTTTCTTCAGGACTATAGAGTTAACATCTTCCTGA[G>C]ACAAAAATGGAATGACCCCAGGCTGAAGCTCCCCAGTGATTTTAGGGGTTCAGATGCACT-3'
Protein context (NP_000815.1, residues 98-118): TMDYRVNIFL[Arg108Thr]QKWNDPRLKL

ClinVar aggregate classification (germline): Uncertain significance (1 of 4 stars; one submission).

Conditions:
Hyperekplexia 2 (HKPX2). Identifiers: Orphanet 3197, MedGen C3553291, MONDO:0013828, OMIM 614619.

Submission:

Labcorp Genetics (formerly Invitae), Labcorp
Classification: Uncertain significance for Hyperekplexia 2. Last evaluated: 2021-03-08. Review status: criteria provided, single submitter. Criteria: Invitae Variant Classification Sherloc (09022015). Collection method: clinical testing. Allele origin: germline.
Comment: Advanced modeling of protein sequence and biophysical properties (such as structural, functional, and spatial information, amino acid conservation, physicochemical variation, residue mobility, and thermodynamic stability) performed at Invitae indicates that this missense variant is expected to disrupt GLRB protein function. In summary, the available evidence is currently insufficient to determine the role of this variant in disease. Therefore, it has been classified as a Variant of Uncertain Significance. This variant has not been reported in the literature in individuals with GLRB-related conditions. This variant is not present in population databases (ExAC no frequency). This sequence change replaces arginine with threonine at codon 108 of the GLRB protein (p.Arg108Thr). The arginine residue is highly conserved and there is a moderate physicochemical difference between arginine and threonine.